The following is an entry in ClinVar:

ClinVar aggregate classification (germline): Benign (1 of 4 stars; one submission).

Conditions:
Coffin-Siris syndrome. Identifiers: Orphanet 1465, MedGen C0265338, MONDO:0015452.

Allele frequency attached by ClinVar (database versions not stated): 1000 Genomes Project 30x 0.00031; 1000 Genomes Project 0.00040; TOPMed 0.00096; gnomAD 0.00109 and 0.00112; gnomAD exomes 0.00119.
gnomAD v4.1: 522 of 463,890 alleles (0.11%); highest among the groups gnomAD compares: Non-Finnish European, 0.18%; no homozygotes.

Submission:

Illumina Laboratory Services, Illumina
Classification: Benign for Coffin-Siris syndrome. Last evaluated: 2018-01-13. Review status: criteria provided, single submitter. Criteria: ICSL Variant Classification Criteria 13 December 2019. Collection method: clinical testing. Allele origin: germline.
Comment: This variant was observed in the ICSL laboratory as part of a predisposition screen in an ostensibly healthy population. It had not been previously curated by ICSL or reported in the Human Gene Mutation Database (HGMD: prior to June 1st, 2018), and was therefore a candidate for classification through an automated scoring system. Utilizing variant allele frequency, disease prevalence and penetrance estimates, and inheritance mode, an automated score was calculated to assess if this variant is too frequent to cause the disease. Based on the score and internal cut-off values, a variant classified as benign is not then subjected to further curation. The score for this variant resulted in a classification of benign for this disease.

NM_003072.5(SMARCA4):c.*327T>C

Gene: SMARCA4 (SWI/SNF related BAF chromatin remodeling complex subunit ATPase 4; plus strand). Cytogenetic location: 19p13.2.
Variant type: single nucleotide variant.
Coding change: c.*327T>C on transcript NM_003072.5 (MANE Select); 327 bases downstream of the stop codon, T replaced by C.
Molecular consequence: 3 prime UTR variant. On other transcripts: non-coding transcript variant (1).
Genome position (GRCh38, 1-based): chr19:11,062,143, T>C. VCF-style: chr19-11062143-T-C. GRCh37 (hg19) VCF-style: chr19-11172819-T-C.
Other names: c.*327T>C (NM_001128844.3, NM_001128845.2, NM_001128846.2 and 5 more transcripts).
Identifiers: ClinVar variation 328045 (VCV000328045.5), dbSNP rs146968124, ClinGen allele CA10648225.